The following is an entry in ClinVar:

NM_001195755.2(FFAR4):c.114G>A (p.Val38=)

Gene: FFAR4 (free fatty acid receptor 4; plus strand). Cytogenetic location: 10q23.33.
Variant type: single nucleotide variant.
Coding change: c.114G>A on transcript NM_001195755.2 (MANE Select); coding-DNA position 114, G replaced by A.
Protein change: p.Val38=; no amino-acid change (valine 38 retained).
Molecular consequence: synonymous variant.
Genome position (GRCh38, 1-based): chr10:93,566,834, G>A. VCF-style: chr10-93566834-G-A. GRCh37 (hg19) VCF-style: chr10-95326591-G-A.
Other names: c.114G>A, p.Val38= (NM_181745.4).
Identifiers: ClinVar variation 2640700 (VCV002640700.24), dbSNP rs139357642, ClinGen allele CA5609222.

ClinVar aggregate classification (germline): Likely benign (1 of 4 stars; one submission).

Allele frequency attached by ClinVar (database versions not stated): 1000 Genomes Project 0.00100; 1000 Genomes Project 30x 0.00109; ESP Exome Variant Server 0.00169; TOPMed 0.00207; gnomAD 0.00238; gnomAD exomes 0.00297; ExAC 0.00305.
gnomAD v4.1: 4,600 of 1,601,242 alleles (0.29%); highest among the groups gnomAD compares: Non-Finnish European, 0.35%; 12 homozygotes.

Submission:

CeGaT Center for Human Genetics Tuebingen
Classification: Likely benign. Last evaluated: 2022-10-01. Review status: criteria provided, single submitter. Criteria: CeGaT Center For Human Genetics Tuebingen Variant Classification Criteria Version 2. Collection method: clinical testing. Allele origin: germline. Affected: yes. Observed: 1 variant allele.
Comment: FFAR4: BP4, BP7